The following is an entry in ClinVar:

ClinVar aggregate classification (germline): Conflicting classifications of pathogenicity. Review status: criteria provided, conflicting classifications (1 of 4 stars). 4 submissions from 4 submitters: Likely pathogenic (2); Uncertain significance (1). 1 of the submissions does not count toward it. Last evaluated 2026-01-02.

Conditions:
Retinal dystrophy. Also called: Inherited retinal dystrophy. Identifiers: Orphanet 71862, MedGen C0854723, MeSH D058499, MONDO:0019118, HP:0000556.
Joubert syndrome 1 (JBTS1). Also called: CEREBELLOPARENCHYMAL DISORDER IV; Cerebellooculorenal syndrome 1. Identifiers: MedGen C4551568, MONDO:0008944, OMIM 213300.
MORM syndrome (MORMS). Identifiers: Orphanet 75858, MedGen C1857802, MONDO:0012423, OMIM 610156.

Allele frequency attached by ClinVar (database versions not stated): ExAC 0.00001; gnomAD 0.00001; TOPMed 0.00002.
gnomAD v4.1: 20 of 1,611,932 alleles (0.0012%); highest among the groups gnomAD compares: Middle Eastern, 0.016%; no homozygotes.

Submissions (4):

First Genomix Gene Laboratory, Genetic Diagnostics Department
Classification: Likely pathogenic for MORM syndrome; Joubert syndrome 1. Last evaluated: 2026-01-02. Review status: criteria provided, single submitter. Criteria: ACMG Guidelines, 2015. Collection method: clinical testing. Allele origin: germline. Inheritance: Autosomal recessive inheritance. Affected: no. Observed: 1 variant allele.

Genomic Medicine Center of Excellence, King Faisal Specialist Hospital and Research Centre
Classification: Likely pathogenic for Joubert syndrome 1. Last evaluated: 2024-03-29. Review status: criteria provided, single submitter. Criteria: ACMG Guidelines, 2015. Collection method: clinical testing. Allele origin: germline.

Fulgent Genetics
Classification: Uncertain significance for Joubert syndrome 1; MORM syndrome. Last evaluated: 2024-01-09. Review status: criteria provided, single submitter. Criteria: ACMG Guidelines, 2015. Collection method: clinical testing. Allele origin: germline.

Institute of Human Genetics, Univ. Regensburg, Univ. Regensburg
Classification: Uncertain significance for Retinal dystrophy. Last evaluated: 2022-01-01. Review status: no assertion criteria provided. Criteria: ACMG Guidelines, 2015. Collection method: clinical testing. Allele origin: germline. Affected: yes. Not counted in ClinVar's aggregate classification.

NM_019892.6(INPP5E):c.1442G>A (p.Arg481His)

Gene: INPP5E (inositol polyphosphate-5-phosphatase E; minus strand). Cytogenetic location: 9q34.3.
Variant type: single nucleotide variant.
Coding change: c.1442G>A on transcript NM_019892.6 (MANE Select); coding-DNA position 1442, G replaced by A.
Protein change: p.Arg481His; replaces arginine 481 with histidine.
Molecular consequence: missense variant.
Genome position (GRCh38, 1-based): chr9:136,431,931, C>T on the plus strand (G>A on the coding strand, the complement: INPP5E is on the minus strand). VCF-style: chr9-136431931-C-T. GRCh37 (hg19) VCF-style: chr9-139326383-C-T.
Other names: c.1439G>A, p.Arg480His (NM_001318502.2); short protein forms R480H, R481H.
Identifiers: ClinVar variation 3065863 (VCV003065863.4), dbSNP rs773590570, ClinGen allele CA5336794.